The following is an entry in ClinVar:

NM_203288.2(RP9):c.314-1G>A

Gene: RP9 (RP9 pre-mRNA splicing factor; minus strand). Cytogenetic location: 7p14.3.
Variant type: single nucleotide variant.
Coding change: c.314-1G>A on transcript NM_203288.2 (MANE Select); the canonical splice acceptor site of the intron before coding-DNA position 314, G replaced by A.
Molecular consequence: splice acceptor variant.
Genome position (GRCh38, 1-based): chr7:33,097,363, C>T on the plus strand (G>A on the coding strand, the complement: RP9 is on the minus strand). VCF-style: chr7-33097363-C-T. GRCh37 (hg19) VCF-style: chr7-33136975-C-T.
Identifiers: ClinVar variation 1386449 (VCV001386449.6), dbSNP rs1347685329, ClinGen allele CA367182321.
Genomic context (GRCh38, chr7:33,097,363, plus strand): 5'-TGATAAAGAAAGGGCATTCTTTGTCACCCGTTCGGTGACCATAGCGTTTGCAACGCCAAC[C>T]TAAAAACGAAAAGAGAAATATTTCTGTAAGATAACAGTTTCACCTACTCAAGATAAAGAA-3'

ClinVar aggregate classification (germline): Uncertain significance (1 of 4 stars; one submission).

Submission:

Labcorp Genetics (formerly Invitae), Labcorp
Classification: Uncertain significance. Last evaluated: 2021-10-12. Review status: criteria provided, single submitter. Criteria: Invitae Variant Classification Sherloc (09022015). Collection method: clinical testing. Allele origin: germline.
Comment: In summary, the available evidence is currently insufficient to determine the role of this variant in disease. Therefore, it has been classified as a Variant of Uncertain Significance. Algorithms developed to predict the effect of sequence changes on RNA splicing suggest that this variant may disrupt the consensus splice site. This variant has not been reported in the literature in individuals affected with RP9-related conditions. This variant is not present in population databases (ExAC no frequency). This sequence change affects an acceptor splice site in intron 3 of the RP9 gene. It is expected to disrupt RNA splicing. Variants that disrupt the donor or acceptor splice site typically lead to a loss of protein function (PMID: 16199547), however the current clinical and genetic evidence is not sufficient to establish whether loss-of-function variants in RP9 cause disease.

Literature cited by the submitters: PubMed 16199547.